The following is an entry in ClinVar:

ClinVar aggregate classification (germline): Pathogenic (1 of 4 stars; one submission).

Conditions:
Inborn genetic diseases. Identifiers: MedGen C0950123, MeSH D030342.

Submission:

Ambry Genetics
Classification: Pathogenic for Inborn genetic diseases. Last evaluated: 2024-06-18. Review status: criteria provided, single submitter. Criteria: Ambry Variant Classification Scheme 2023. Collection method: clinical testing. Allele origin: germline.
Comment: The c.219dupC (p.Y74Lfs*63) alteration, located in exon 2 (coding exon 2) of the TFAP2B gene, consists of a duplication of C at position 219, causing a translational frameshift with a predicted alternate stop codon after 63 amino acids. This alteration is expected to result in loss of function by premature protein truncation or nonsense-mediated mRNA decay. This variant was not reported in population-based cohorts in the Genome Aggregation Database (gnomAD). Based on the available evidence, this alteration is classified as pathogenic.

NM_003221.4(TFAP2B):c.219dup (p.Tyr74fs)

Gene: TFAP2B (transcription factor AP-2 beta; plus strand). Cytogenetic location: 6p12.3.
Variant type: Duplication.
Coding change: c.219dup on transcript NM_003221.4 (MANE Select); coding-DNA position 219, one base duplicated (C; older notation c.219dupC).
Protein change: p.Tyr74fs; shifts the reading frame from tyrosine 74.
Molecular consequence: frameshift variant.
Genome position (GRCh38, 1-based): chr6:50,823,544, C duplicated; the last of 6 consecutive C bases (chr6:50,823,539-50,823,544); duplicating any one gives the same sequence. VCF-style (leftmost placement, unchanged base first): chr6-50823538-A-AC. GRCh37 (hg19) VCF-style: chr6-50791251-A-AC.
Other names: short protein forms Y74fs.
Identifiers: ClinVar variation 3325591 (VCV003325591.1).